The following is an entry in ClinVar:

ClinVar aggregate classification (germline): Uncertain significance (1 of 4 stars; one submission).

Conditions:
Hereditary cancer-predisposing syndrome. Also called: Tumor predisposition; Hereditary Cancer Syndrome; Neoplastic Syndromes, Hereditary; Hereditary neoplastic syndrome. Identifiers: Orphanet 140162, MedGen C0027672, MeSH D009386, MONDO:0015356.

Submission:

Ambry Genetics
Classification: Uncertain significance for Hereditary cancer-predisposing syndrome. Last evaluated: 2022-02-13. Review status: criteria provided, single submitter. Criteria: Ambry Variant Classification Scheme 2023. Collection method: clinical testing. Allele origin: germline.
Comment: The p.K948E variant (also known as c.2842A>G), located in coding exon 21 of the KIT gene, results from an A to G substitution at nucleotide position 2842. The lysine at codon 948 is replaced by glutamic acid, an amino acid with similar properties. This amino acid position is conserved. In addition, this alteration is predicted to be tolerated by in silico analysis. Since supporting evidence is limited at this time, the clinical significance of this alteration remains unclear.

NM_000222.3(KIT):c.2842A>G (p.Lys948Glu)

Gene: KIT (KIT proto-oncogene, receptor tyrosine kinase; plus strand). Cytogenetic location: 4q12.
Variant type: single nucleotide variant.
Coding change: c.2842A>G on transcript NM_000222.3 (MANE Select); coding-DNA position 2842, A replaced by G.
Protein change: p.Lys948Glu; replaces lysine 948 with glutamic acid.
Molecular consequence: missense variant.
Genome position (GRCh38, 1-based): chr4:54,738,468, A>G. VCF-style: chr4-54738468-A-G. GRCh37 (hg19) VCF-style: chr4-55604634-A-G.
Other names: c.2830A>G, p.Lys944Glu (NM_001093772.2, NM_001385292.1); c.2845A>G, p.Lys949Glu (NM_001385284.1); c.2839A>G, p.Lys947Glu (NM_001385285.1); c.2827A>G, p.Lys943Glu (NM_001385286.1); c.2833A>G, p.Lys945Glu (NM_001385288.1); c.2842A>G, p.Lys948Glu (NM_001385290.1); short protein forms K945E, K947E, K949E, K948E, K943E, K944E.
Identifiers: ClinVar variation 1796732 (VCV001796732.2), dbSNP rs2109818575, ClinGen allele CA356915998.